The following is an entry in ClinVar:

NM_018100.4(EFHC1):c.1187A>G (p.Asn396Ser)

Gene: EFHC1 (EF-hand domain containing 1; plus strand). Cytogenetic location: 6p12.2.
Variant type: single nucleotide variant.
Coding change: c.1187A>G on transcript NM_018100.4 (MANE Select); coding-DNA position 1187, A replaced by G.
Protein change: p.Asn396Ser; replaces asparagine 396 with serine.
Molecular consequence: missense variant. On other transcripts: non-coding transcript variant (1).
Genome position (GRCh38, 1-based): chr6:52,469,382, A>G. VCF-style: chr6-52469382-A-G. GRCh37 (hg19) VCF-style: chr6-52334180-A-G.
Other names: p.N396S:AAT>AGT; c.1130A>G, p.Asn377Ser (NM_001172420.2); short protein forms N396S, N377S.
Identifiers: ClinVar variation 205407 (VCV000205407.2), dbSNP rs745982377, ClinGen allele CA314448.

ClinVar aggregate classification (germline): Uncertain significance (1 of 4 stars; one submission).

Allele frequency attached by ClinVar (database versions not stated): gnomAD 0.00001; gnomAD exomes 0.00001 and 0.00003; ExAC 0.00002; TOPMed 0.00002.
gnomAD v4.1: 9 of 1,613,904 alleles (0.00056%); highest among the groups gnomAD compares: Admixed American, 0.013%; no homozygotes.

Submission:

GeneDx
Classification: Uncertain significance. Last evaluated: 2013-02-11. Review status: criteria provided, single submitter. Criteria: GeneDx Variant Classification (06012015). Collection method: clinical testing. Allele origin: germline. Affected: yes.
Comment: p.Asn396Ser (AAT>AGT): c.1187 A>G in exon 7 of the EFHC1 gene (NM_018100.3). The Asn396Ser missense change has not been published as a mutation, nor has it been reported as a benign polymorphism to our knowledge. The NHLBI ESP Exome Variant Project has not identified sn396Ser in approximately 6,500 individuals of European or African American ethnicity, indicating that it is not a common benign variant in these populations. Asn396Ser alters a conserved position in the EFHC1 protein and another nearby missense mutation (Ala394Ser) has been reported in association with idiopathic generalized epilepsy (Stogmann et al., 2006). However, the Asn396Ser amino acid substitution is conservative as both Asparagine and Serine are uncharged, polar amino acid residues. In addition, in-silico algorithms are not consistent in their prediction to whether Asn396Ser is damaging to the structure/function of the protein. Therefore, based on the currently available information, it is unclear whether Asn396Ser is a disease-causing mutation or a rare benign variant. The variant is found in EPILEPSY panel(s).